The following is an entry in ClinVar:

ClinVar aggregate classification (germline): Uncertain significance (1 of 4 stars; one submission).

gnomAD v4.1: 48 of 1,205,264 alleles (0.004%); highest among the groups gnomAD compares: Non-Finnish European, 0.0054%; no homozygotes.

Submissions (2):

Labcorp Genetics (formerly Invitae), Labcorp
Classification: Uncertain significance. Last evaluated: 2025-11-12. Review status: criteria provided, single submitter. Criteria: Invitae Variant Classification Sherloc (09022015). Collection method: clinical testing. Allele origin: germline.
Comment: This sequence change replaces glycine, which is neutral and non-polar, with valine, which is neutral and non-polar, at codon 54 of the STAG2 protein (p.Gly54Val). This variant is present in population databases (no rsID available, gnomAD 0.003%). This variant has not been reported in the literature in individuals affected with STAG2-related conditions. Invitae Evidence Modeling of protein sequence and biophysical properties (such as structural, functional, and spatial information, amino acid conservation, physicochemical variation, residue mobility, and thermodynamic stability) indicates that this missense variant is not expected to disrupt STAG2 protein function with a negative predictive value of 80%. In summary, the available evidence is currently insufficient to determine the role of this variant in disease. Therefore, it has been classified as a Variant of Uncertain Significance.

Dr. Peter K. Rogan Lab, Western University
No classification provided (evidence only). Condition: Thyroid cancer, nonmedullary, 1. Review status: no classification provided. Collection method: in vitro. Allele origin: not applicable. Functional consequence: retained intron. Not counted in ClinVar's aggregate classification.

NM_001042750.2(STAG2):c.161G>T (p.Gly54Val)

Gene: STAG2 (STAG2 cohesin complex component; plus strand). Cytogenetic location: Xq25.
Variant type: single nucleotide variant.
Coding change: c.161G>T on transcript NM_001042750.2 (MANE Select); coding-DNA position 161, G replaced by T.
Protein change: p.Gly54Val; replaces glycine 54 with valine.
Molecular consequence: missense variant.
Genome position (GRCh38, 1-based): chrX:124,030,998, G>T. VCF-style: chrX-124030998-G-T. GRCh37 (hg19) VCF-style: chrX-123164848-G-T.
Other names: NC_000023.10:g.123164848G>T; c.161G>T, p.Gly54Val (NM_001042749.2, NM_001042751.2, NM_001282418.2 and 23 more transcripts); short protein forms G54V.
Identifiers: ClinVar variation 4468632 (VCV004468632.2).